The following is an entry in ClinVar:

NM_000321.3(RB1):c.13A>T (p.Thr5Ser)

Gene: RB1 (RB transcriptional corepressor 1; plus strand). Cytogenetic location: 13q14.2.
Variant type: single nucleotide variant.
Coding change: c.13A>T on transcript NM_000321.3 (MANE Select); coding-DNA position 13, A replaced by T.
Protein change: p.Thr5Ser; replaces threonine 5 with serine.
Molecular consequence: missense variant.
Genome position (GRCh38, 1-based): chr13:48,303,925, A>T. VCF-style: chr13-48303925-A-T. GRCh37 (hg19) VCF-style: chr13-48878061-A-T.
Other names: c.13A>T, p.Thr5Ser (NM_001407165.1, NM_001407166.1, NM_001407167.1); short protein forms T5S.
Identifiers: ClinVar variation 2063812 (VCV002063812.5), dbSNP rs898303682, ClinGen allele CA388250158.

ClinVar aggregate classification (germline): Uncertain significance. Review status: criteria provided, multiple submitters, no conflicts (2 of 4 stars). 2 submissions from 2 submitters: Uncertain significance (2). Last evaluated 2025-02-27.

Conditions:
Hereditary cancer-predisposing syndrome. Also called: Tumor predisposition; Hereditary neoplastic syndrome; Neoplastic Syndromes, Hereditary; Hereditary Cancer Syndrome. Identifiers: Orphanet 140162, MedGen C0027672, MeSH D009386, MONDO:0015356.
Retinoblastoma (RB1). Also called: RETINOBLASTOMA, SOMATIC. Identifiers: Orphanet 790, MedGen C0035335, MeSH D012175, MONDO:0008380, OMIM 180200, HP:0009919. Disease mechanism: loss of function. Inheritance: Both sporadic and heritable forms are tested..

Allele frequency attached by ClinVar (database versions not stated): TOPMed below 0.00001; gnomAD 0.00001.
gnomAD v4.1: 1 of 1,497,196 alleles (0.000067%); no homozygotes.

Submissions (2):

Labcorp Genetics (formerly Invitae), Labcorp
Classification: Uncertain significance for Retinoblastoma. Last evaluated: 2025-02-27. Review status: criteria provided, single submitter. Criteria: Invitae Variant Classification Sherloc (09022015). Collection method: clinical testing. Allele origin: germline.
Comment: This sequence change replaces threonine, which is neutral and polar, with serine, which is neutral and polar, at codon 5 of the RB1 protein (p.Thr5Ser). This variant is not present in population databases (gnomAD no frequency). This variant has not been reported in the literature in individuals affected with RB1-related conditions. ClinVar contains an entry for this variant (Variation ID: 2063812). Invitae Evidence Modeling of protein sequence and biophysical properties (such as structural, functional, and spatial information, amino acid conservation, physicochemical variation, residue mobility, and thermodynamic stability) has been performed for this missense variant. However, the output from this modeling did not meet the statistical confidence thresholds required to predict the impact of this variant on RB1 protein function. In summary, the available evidence is currently insufficient to determine the role of this variant in disease. Therefore, it has been classified as a Variant of Uncertain Significance.

Ambry Genetics
Classification: Uncertain significance for Hereditary cancer-predisposing syndrome. Last evaluated: 2022-12-09. Review status: criteria provided, single submitter. Criteria: Ambry Variant Classification Scheme 2023. Collection method: clinical testing. Allele origin: germline.
Comment: The p.T5S variant (also known as c.13A>T), located in coding exon 1 of the RB1 gene, results from an A to T substitution at nucleotide position 13. The threonine at codon 5 is replaced by serine, an amino acid with similar properties. This amino acid position is not well conserved in available vertebrate species. In addition, this alteration is predicted to be tolerated by in silico analysis. Since supporting evidence is limited at this time, the clinical significance of this alteration remains unclear.